The following is an entry in ClinVar:

ClinVar aggregate classification (germline): Conflicting classifications of pathogenicity. Review status: criteria provided, conflicting classifications (1 of 4 stars). 2 submissions from 2 submitters: Likely pathogenic (1); Uncertain significance (1). Last evaluated 2024-03-02.

Submissions (2):

GeneDx
Classification: Likely pathogenic. Last evaluated: 2024-03-02. Review status: criteria provided, single submitter. Criteria: GeneDx Variant Classification Process June 2021. Collection method: clinical testing. Allele origin: germline. Affected: yes.
Comment: Identified in a patient with interstitial lung disease in the published literature, however, familial segregation information was not provided (PMID: 18383112); In silico analysis supports that this missense variant has a deleterious effect on protein structure/function; Not observed at significant frequency in large population cohorts (gnomAD); This variant is associated with the following publications: (PMID: 18383112)

Labcorp Genetics (formerly Invitae), Labcorp
Classification: Uncertain significance. Last evaluated: 2023-12-19. Review status: criteria provided, single submitter. Criteria: Invitae Variant Classification Sherloc (09022015). Collection method: clinical testing. Allele origin: germline.
Comment: This sequence change replaces cysteine, which is neutral and slightly polar, with glycine, which is neutral and non-polar, at codon 189 of the SFTPC protein (p.Cys189Gly). This variant is not present in population databases (gnomAD no frequency). This missense change has been observed in individual(s) with childhood interstitial lung disease (PMID: 18383112). An algorithm developed to predict the effect of missense changes on protein structure and function (PolyPhen-2) suggests that this variant is likely to be disruptive. This variant disrupts the p.Cys189 amino acid residue in SFTPC. Other variant(s) that disrupt this residue have been observed in individuals with SFTPC-related conditions (PMID: 18383112, 19443464), which suggests that this may be a clinically significant amino acid residue. In summary, the available evidence is currently insufficient to determine the role of this variant in disease. Therefore, it has been classified as a Variant of Uncertain Significance.

Literature cited by the submitters: PubMed 18383112 (cited by Labcorp Genetics (formerly Invitae), Labcorp); PubMed 19443464 (cited by Labcorp Genetics (formerly Invitae), Labcorp).

NM_001317778.2(SFTPC):c.547T>G (p.Cys183Gly)

Gene: SFTPC (surfactant protein C; plus strand). Cytogenetic location: 8p21.3.
Variant type: single nucleotide variant.
Coding change: c.547T>G on transcript NM_001317778.2 (MANE Select); coding-DNA position 547, T replaced by G.
Protein change: p.Cys183Gly; replaces cysteine 183 with glycine.
Molecular consequence: missense variant.
Genome position (GRCh38, 1-based): chr8:22,164,012, T>G. VCF-style: chr8-22164012-T-G. GRCh37 (hg19) VCF-style: chr8-22021525-T-G.
Other names: c.547T>G, p.Cys183Gly (NM_001172357.2, NM_001317780.2, NM_001385656.1 and 3 more transcripts); c.565T>G, p.Cys189Gly (NM_001172410.2, NM_001385653.1, NM_001385654.1 and 2 more transcripts); c.406T>G, p.Cys136Gly (NM_001317779.2, NM_001385660.1); c.565T>G (NM_003018.3); short protein forms C136G, C189G, C183G.
Identifiers: ClinVar variation 2735140 (VCV002735140.4), dbSNP rs76821562, ClinGen allele CA370538444.